The following is an entry in ClinVar:

NM_022552.5(DNMT3A):c.1413T>C (p.Ile471=)

Gene: DNMT3A (DNA methyltransferase 3 alpha; minus strand). Cytogenetic location: 2p23.3.
Variant type: single nucleotide variant.
Coding change: c.1413T>C on transcript NM_022552.5 (MANE Select); coding-DNA position 1413, T replaced by C.
Protein change: p.Ile471=; no amino-acid change (isoleucine 471 retained).
Molecular consequence: synonymous variant. On other transcripts: non-coding transcript variant (1).
Genome position (GRCh38, 1-based): chr2:25,246,176, A>G on the plus strand (T>C on the coding strand, the complement: DNMT3A is on the minus strand). VCF-style: chr2-25246176-A-G. GRCh37 (hg19) VCF-style: chr2-25469045-A-G.
Other names: c.957T>C, p.Ile319= (NM_001320893.1); c.744T>C, p.Ile248= (NM_001375819.1); c.846T>C, p.Ile282= (NM_153759.3); c.1413T>C, p.Ile471= (NM_175629.2).
Identifiers: ClinVar variation 3504250 (VCV003504250.2).

ClinVar aggregate classification (germline): Likely benign. Review status: criteria provided, multiple submitters, no conflicts (2 of 4 stars). 2 submissions from 2 submitters: Likely benign (2). Last evaluated 2025-04-30.

Conditions:
Inborn genetic diseases. Identifiers: MedGen C0950123, MeSH D030342.
DNMT3A-related disorder. Also called: DNMT3A-related disorders; DNMT3A-related condition.

gnomAD v4.1: 113 of 1,613,890 alleles (0.007%); highest among the groups gnomAD compares: Non-Finnish European, 0.0094%; no homozygotes.

Submissions (2):

PreventionGenetics, part of Exact Sciences
Classification: Likely benign for DNMT3A-related condition. Last evaluated: 2025-04-30. Review status: criteria provided, single submitter. Criteria: ACMG Guidelines, 2015. Collection method: clinical testing. Allele origin: germline.
Comment: This variant is classified as likely benign based on ACMG/AMP sequence variant interpretation guidelines (Richards et al. 2015 PMID: 25741868, with internal and published modifications).

Ambry Genetics
Classification: Likely benign for Inborn genetic diseases. Last evaluated: 2024-12-04. Review status: criteria provided, single submitter. Criteria: Ambry Variant Classification Scheme 2023. Collection method: clinical testing. Allele origin: germline.